The following is an entry in ClinVar:

ClinVar aggregate classification (germline): Pathogenic (1 of 4 stars; one submission).

Conditions:
Peroxisome biogenesis disorder. Identifiers: Orphanet 79189, MedGen C1832200, MONDO:0019234. Disease mechanism: loss of function.

Submission:

Women's Health and Genetics/Laboratory Corporation of America, LabCorp
Classification: Pathogenic for Peroxisome biogenesis disorder. Last evaluated: 2024-08-05. Review status: criteria provided, single submitter. Criteria: LabCorp Variant Classification Summary - May 2015. Collection method: clinical testing. Allele origin: germline.
Comment: Variant summary: PEX1 c.2576_2578delinsTT (p.Pro859LeufsX32) results in a premature termination codon, predicted to cause a truncation of the encoded protein or absence of the protein due to nonsense mediated decay, which are commonly known mechanisms for disease. The variant was absent in 250934 control chromosomes. To our knowledge, no occurrence of c.2576_2578delinsTT in individuals affected with Zellweger Syndrome and no experimental evidence demonstrating its impact on protein function have been reported. No submitters have cited clinical-significance assessments for this variant to ClinVar. Based on the evidence outlined above, the variant was classified as pathogenic.

NM_000466.3(PEX1):c.2576_2578delinsTT (p.Pro859fs)

Gene: PEX1 (peroxisomal biogenesis factor 1; minus strand). Cytogenetic location: 7q21.2.
Variant type: Indel.
Coding change: c.2576_2578delinsTT on transcript NM_000466.3 (MANE Select); coding-DNA positions 2576 to 2578, CTG replaced by TT.
Protein change: p.Pro859fs; shifts the reading frame from proline 859.
Molecular consequence: frameshift variant.
Genome position (GRCh38, 1-based): chr7:92,501,512-92,501,514, CAG replaced by AA on the plus strand (CTG replaced by TT on the coding strand, the reverse complement: PEX1 is on the minus strand). VCF-style: chr7-92501512-CAG-AA. GRCh37 (hg19) VCF-style: chr7-92130826-CAG-AA.
Other names: c.2405_2407delinsTT, p.Pro802fs (NM_001282677.2); c.1952_1954delinsTT, p.Pro651fs (NM_001282678.2); short protein forms P651fs, P802fs, P859fs.
Identifiers: ClinVar variation 3366499 (VCV003366499.1).